The following is an entry in ClinVar:

NM_024757.5(EHMT1):c.2T>G (p.Met1Arg)

Genes: EHMT1 (euchromatic histone lysine methyltransferase 1; plus strand), LOC130003135 (ATAC-STARR-seq lymphoblastoid silent region 20636; plus strand). Cytogenetic location: 9q34.3.
Variant type: single nucleotide variant.
Coding change: c.2T>G on transcript NM_024757.5 (MANE Select); coding-DNA position 2, T replaced by G.
Protein change: p.Met1Arg; changes the start codon (methionine 1).
Molecular consequence: missense variant, initiator codon variant. On other transcripts: 5 prime UTR variant (2).
Genome position (GRCh38, 1-based): chr9:137,619,030, T>G. VCF-style: chr9-137619030-T-G. GRCh37 (hg19) VCF-style: chr9-140513482-T-G.
Other names: c.2T>G, p.Met1Arg (NM_001145527.2, NM_001354263.2, NM_001354611.2); c.-28T>G (NM_001354259.2, NM_001354612.2); short protein forms M1R.
Identifiers: ClinVar variation 1021030 (VCV001021030.10), dbSNP rs1185800023, ClinGen allele CA375778082.
Genomic context (GRCh38, chr9:137,619,030, plus strand): 5'-GAGGCGCGGGCGGGGCGATGGCGCGCGGGAGGGGCGGGGCCACGCTGCGGGCCCGGGCCA[T>G]GGCCGCCGCCGATGCCGAGGTGAGCAGCGGGGCCGGCGGGGGGCGGCGCGGGGGCGGCGG-3'
Protein context (NP_079033.4, residues 1-11): [Met1Arg]AAADAEAVPA

ClinVar aggregate classification (germline): Uncertain significance (1 of 4 stars; one submission).

Conditions:
Kleefstra syndrome 1 (KLEFS1). Identifiers: Orphanet 261494, MedGen C0795833, MONDO:0027407, OMIM 610253.

Submission:

Labcorp Genetics (formerly Invitae), Labcorp
Classification: Uncertain significance for Kleefstra syndrome 1. Last evaluated: 2023-06-19. Review status: criteria provided, single submitter. Criteria: Invitae Variant Classification Sherloc (09022015). Collection method: clinical testing. Allele origin: germline.
Comment: This sequence change affects the initiator methionine of the EHMT1 mRNA. The next in-frame methionine is located at codon 32. The frequency data for this variant in the population databases is considered unreliable, as metrics indicate insufficient coverage at this position in the gnomAD database. This variant has not been reported in the literature in individuals affected with EHMT1-related conditions. ClinVar contains an entry for this variant (Variation ID: 1021030). In summary, the available evidence is currently insufficient to determine the role of this variant in disease. Therefore, it has been classified as a Variant of Uncertain Significance.